The following is an entry in ClinVar:

NM_032043.3(BRIP1):c.3425C>G (p.Thr1142Arg)

Gene: BRIP1 (BRCA1 interacting DNA helicase 1; minus strand). Cytogenetic location: 17q23.2.
Variant type: single nucleotide variant.
Coding change: c.3425C>G on transcript NM_032043.3 (MANE Select); coding-DNA position 3425, C replaced by G.
Protein change: p.Thr1142Arg; replaces threonine 1142 with arginine.
Molecular consequence: missense variant.
Genome position (GRCh38, 1-based): chr17:61,683,621, G>C on the plus strand (C>G on the coding strand, the complement: BRIP1 is on the minus strand). VCF-style: chr17-61683621-G-C. GRCh37 (hg19) VCF-style: chr17-59760982-G-C.
Other names: short protein forms T1142R.
Identifiers: ClinVar variation 935623 (VCV000935623.16), dbSNP rs1279318199, ClinGen allele CA400478756.
Genomic context (GRCh38, chr17:61,683,621, plus strand): 5'-GAATTGTTAGCCAATCTATTTCCTCTATCAGTTTCAGCTAGGTCATTTTTTTCTTCATCT[G>C]TATCTTCAGGATCATAAAGTTCAGGTGTAAAATAGATAGATTCATCTTCTGCTTCTGTTT-3'
Protein context (NP_114432.2, residues 1132-1152): FTPELYDPED[Thr1142Arg]DEEKNDLAET

ClinVar aggregate classification (germline): Uncertain significance. Review status: criteria provided, multiple submitters, no conflicts (2 of 4 stars). 4 submissions from 4 submitters: Uncertain significance (4). Last evaluated 2024-04-25.

Conditions:
Hereditary cancer-predisposing syndrome. Also called: Tumor predisposition; Hereditary neoplastic syndrome; Neoplastic Syndromes, Hereditary; Hereditary Cancer Syndrome. Identifiers: Orphanet 140162, MedGen C0027672, MeSH D009386, MONDO:0015356.
Familial cancer of breast. Also called: hereditary breast carcinoma; BREAST CANCER, FAMILIAL; Hereditary breast cancer. Identifiers: Orphanet 227535, MedGen C0346153, MONDO:0016419, OMIM 114480. Disease mechanism: loss of function.
Fanconi anemia complementation group J. Also called: BRIP1-Related Fanconi Anemia. Identifiers: Orphanet 84, MedGen C1836860, MONDO:0012187, OMIM 609054.

Allele frequency attached by ClinVar (database versions not stated): gnomAD exomes below 0.00001.
gnomAD v4.1: 1 of 1,611,970 alleles (0.000062%); highest among the groups gnomAD compares: Non-Finnish European, 0.000085%; no homozygotes.

Submissions (4):

Labcorp Genetics (formerly Invitae), Labcorp
Classification: Uncertain significance for Familial cancer of breast; Fanconi anemia complementation group J. Last evaluated: 2024-04-25. Review status: criteria provided, single submitter. Criteria: Invitae Variant Classification Sherloc (09022015). Collection method: clinical testing. Allele origin: germline.
Comment: This sequence change replaces threonine, which is neutral and polar, with arginine, which is basic and polar, at codon 1142 of the BRIP1 protein (p.Thr1142Arg). This variant is present in population databases (no rsID available, gnomAD 0.0009%). This variant has not been reported in the literature in individuals affected with BRIP1-related conditions. ClinVar contains an entry for this variant (Variation ID: 935623). An algorithm developed to predict the effect of missense changes on protein structure and function (PolyPhen-2) suggests that this variant is likely to be tolerated. In summary, the available evidence is currently insufficient to determine the role of this variant in disease. Therefore, it has been classified as a Variant of Uncertain Significance.

Ambry Genetics
Classification: Uncertain significance for Hereditary cancer-predisposing syndrome. Last evaluated: 2024-03-15. Review status: criteria provided, single submitter. Criteria: Ambry Variant Classification Scheme 2023. Collection method: clinical testing. Allele origin: germline.
Comment: The p.T1142R variant (also known as c.3425C>G), located in coding exon 19 of the BRIP1 gene, results from a C to G substitution at nucleotide position 3425. The threonine at codon 1142 is replaced by arginine, an amino acid with similar properties. This amino acid position is not well conserved in available vertebrate species. In addition, this alteration is predicted to be tolerated by in silico analysis. Since supporting evidence is limited at this time, the clinical significance of this alteration remains unclear.

Baylor Genetics
Classification: Uncertain significance for Familial cancer of breast. Last evaluated: 2023-08-20. Review status: criteria provided, single submitter. Criteria: ACMG Guidelines, 2015. Collection method: clinical testing. Allele origin: unknown.

GeneDx
Classification: Uncertain significance. Last evaluated: 2023-08-15. Review status: criteria provided, single submitter. Criteria: GeneDx Variant Classification Process June 2021. Collection method: clinical testing. Allele origin: germline. Affected: yes.
Comment: Not observed at significant frequency in large population cohorts (gnomAD); In silico analysis supports that this missense variant does not alter protein structure/function; Has not been previously published as pathogenic or benign to our knowledge; This variant is associated with the following publications: (PMID: 20159562)